The following is an entry in ClinVar:

ClinVar aggregate classification (germline): Pathogenic/Likely pathogenic. Review status: criteria provided, multiple submitters, no conflicts (2 of 4 stars). 2 submissions from 2 submitters: Pathogenic (1); Likely pathogenic (1). Last evaluated 2023-12-18.

Conditions:
Isovaleryl-CoA dehydrogenase deficiency (IVA). Also called: IVD DEFICIENCY; ISOVALERIC ACID CoA DEHYDROGENASE DEFICIENCY; Isovaleric acidemia; Classic Isovaleric Acidemia. Identifiers: Orphanet 33, MedGen C0268575, MONDO:0009475, OMIM 243500.
IVD-related disorder. Also called: IVD-related condition.

Allele frequency attached by ClinVar (database versions not stated): TOPMed 0.00001.
gnomAD v4.1: 5 of 1,614,206 alleles (0.00031%); highest among the groups gnomAD compares: Non-Finnish European, 0.00042%; no homozygotes.

Submissions (2):

Labcorp Genetics (formerly Invitae), Labcorp
Classification: Pathogenic for Isovaleryl-CoA dehydrogenase deficiency. Last evaluated: 2023-12-18. Review status: criteria provided, single submitter. Criteria: Invitae Variant Classification Sherloc (09022015). Collection method: clinical testing. Allele origin: germline.
Comment: This sequence change creates a premature translational stop signal (p.Glu70*) in the IVD gene. It is expected to result in an absent or disrupted protein product. Loss-of-function variants in IVD are known to be pathogenic (PMID: 16602101). This variant is present in population databases (rs199865931, gnomAD 0.003%). This variant has not been reported in the literature in individuals affected with IVD-related conditions. ClinVar contains an entry for this variant (Variation ID: 957638). For these reasons, this variant has been classified as Pathogenic.

Blueprint Genetics
Classification: Likely pathogenic for IVD-related disorders. Last evaluated: 2021-02-19. Review status: criteria provided, single submitter. Criteria: ACMG Guidelines, 2015. Collection method: clinical testing. Allele origin: germline. Affected: yes. Observed: 1 variant allele.

Literature cited by the submitters: PubMed 16602101 (cited by Labcorp Genetics (formerly Invitae), Labcorp).

NM_002225.5(IVD):c.199G>T (p.Glu67Ter)

Gene: IVD (isovaleryl-CoA dehydrogenase; plus strand). Cytogenetic location: 15q15.1.
Variant type: single nucleotide variant.
Coding change: c.199G>T on transcript NM_002225.5 (MANE Select); coding-DNA position 199, G replaced by T.
Protein change: p.Glu67Ter; replaces glutamic acid 67 with a stop codon.
Molecular consequence: nonsense. On other transcripts: non-coding transcript variant (1), intron variant (1).
Genome position (GRCh38, 1-based): chr15:40,407,690, G>T. VCF-style: chr15-40407690-G-T. GRCh37 (hg19) VCF-style: chr15-40699891-G-T.
Other names: c.151G>T, p.Glu51Ter (NM_001354597.3); c.199G>T, p.Glu67Ter (NM_001354598.3, NM_001354599.3, NM_001354600.3 and 1 more transcripts); c.145-249G>T (NM_001159508.3); short protein forms E67*, E51*.
Identifiers: ClinVar variation 957638 (VCV000957638.8), dbSNP rs199865931, ClinGen allele CA7480523.